The following is an entry in ClinVar:

NC_000012.12:g.(?_102855126)_(102855342_?)del

Gene: PAH (phenylalanine hydroxylase; minus strand). Cytogenetic location: 12q23.2.
Variant type: Deletion.
Identifiers: ClinVar variation 642631 (VCV000642631.1).

ClinVar aggregate classification (germline): Pathogenic (1 of 4 stars; one submission).

Conditions:
Phenylketonuria (PKU). Also called: OLIGOPHRENIA PHENYLPYRUVICA; Phenylketonurias; FOLLING DISEASE; Phenylketonuria (PKU). Identifiers: Orphanet 716, MedGen C0031485, MONDO:0009861, OMIM 261600. Disease mechanism: loss of function.

Submission:

Labcorp Genetics (formerly Invitae), Labcorp
Classification: Pathogenic for Phenylketonuria. Last evaluated: 2018-08-14. Review status: criteria provided, single submitter. Criteria: Invitae Variant Classification Sherloc (09022015). Collection method: clinical testing. Allele origin: germline.
Comment: This variant is an out-of-frame deletion of the genomic region encompassing exon 6 of the PAH gene. This is expected to create a premature translational stop signal and result in an absent or disrupted protein product. A similar deletion of exon 6 has been reported inÂ¬â€ individuals affected with phenylketonuria or hyperphenylalaninemia (PMID:Â¬â€ 17221866,Â¬â€ 19946181,Â¬â€ 22841515,Â¬â€ 12655547,Â¬â€ Invitae). Loss-of-function variants in PAH are known to be pathogenic (PMID: 1301187, 9634518). For these reasons, this variant has been classified as Pathogenic.